The following is an entry in ClinVar:

ClinVar aggregate classification (germline): Uncertain significance (1 of 4 stars; one submission).

Submission:

Labcorp Genetics (formerly Invitae), Labcorp
Classification: Uncertain significance. Last evaluated: 2026-01-02. Review status: criteria provided, single submitter. Criteria: Invitae Variant Classification Sherloc (09022015). Collection method: clinical testing. Allele origin: germline.
Comment: This variant, c.291_296dup, results in the insertion of 2 amino acid(s) of the COA3 protein (p.Arg98_Ala99dup), but otherwise preserves the integrity of the reading frame. This variant is present in population databases (rs757867255, gnomAD 0.02%). This variant has not been reported in the literature in individuals affected with COA3-related conditions. Experimental studies and prediction algorithms are not available or were not evaluated, and the functional significance of this variant is currently unknown. In summary, the available evidence is currently insufficient to determine the role of this variant in disease. Therefore, it has been classified as a Variant of Uncertain Significance.

NM_001040431.3(COA3):c.285CCGAGC[3] (p.Ala99_Leu100insArgAla)

Gene: COA3 (cytochrome c oxidase assembly factor 3; minus strand). Cytogenetic location: 17q21.2.
Variant type: Microsatellite.
Coding change: c.285CCGAGC[3] on transcript NM_001040431.3 (MANE Select); three copies in a row of the 6-base unit CCGAGC starting at c.285; the reference has two copies in a row; one copy, 6 bases duplicated.
Protein change: p.Ala99_Leu100insArgAla.
Molecular consequence: inframe insertion.
Genome position (GRCh38, 1-based): chr17:42,798,086-42,798,091, GCTCGG duplicated on the plus strand (CCGAGC on the coding strand, the reverse complement: COA3 is on the minus strand); duplicating any 6 consecutive bases within chr17:42,798,086-42,798,099 gives the same sequence; the position shown is the placement nearest the transcript's 3' end. VCF-style (leftmost placement, unchanged base first): chr17-42798085-A-AGCTCGG. GRCh37 (hg19) VCF-style: chr17-40950103-A-AGCTCGG.
Identifiers: ClinVar variation 2756031 (VCV002756031.3), dbSNP rs757867255, ClinGen allele CA8584725.